The following is an entry in ClinVar:

ClinVar aggregate classification (germline): Uncertain significance (1 of 4 stars; one submission).

Conditions:
Glycogen storage disease type III (GSD3). Also called: FORBES DISEASE; Cori disease. Identifiers: Orphanet 366, MedGen C0017922, MONDO:0009291, OMIM 232400.

Allele frequency attached by ClinVar (database versions not stated): gnomAD exomes below 0.00001.
gnomAD v4.1: 1 of 1,613,956 alleles (0.000062%); highest among the groups gnomAD compares: Admixed American, 0.0017%; no homozygotes.

Submission:

Labcorp Genetics (formerly Invitae), Labcorp
Classification: Uncertain significance for Glycogen storage disease type III. Last evaluated: 2024-05-22. Review status: criteria provided, single submitter. Criteria: Invitae Variant Classification Sherloc (09022015). Collection method: clinical testing. Allele origin: germline.
Comment: This sequence change replaces alanine, which is neutral and non-polar, with glycine, which is neutral and non-polar, at codon 253 of the AGL protein (p.Ala253Gly). This variant is present in population databases (no rsID available, gnomAD 0.003%). This variant has not been reported in the literature in individuals affected with AGL-related conditions. ClinVar contains an entry for this variant (Variation ID: 2112021). Advanced modeling of protein sequence and biophysical properties (such as structural, functional, and spatial information, amino acid conservation, physicochemical variation, residue mobility, and thermodynamic stability) has been performed at Invitae for this missense variant, however the output from this modeling did not meet the statistical confidence thresholds required to predict the impact of this variant on AGL protein function. In summary, the available evidence is currently insufficient to determine the role of this variant in disease. Therefore, it has been classified as a Variant of Uncertain Significance.

NM_000642.3(AGL):c.758C>G (p.Ala253Gly)

Gene: AGL (amylo-alpha-1,6-glucosidase and 4-alpha-glucanotransferase; plus strand). Cytogenetic location: 1p21.2.
Variant type: single nucleotide variant.
Coding change: c.758C>G on transcript NM_000642.3 (MANE Select); coding-DNA position 758, C replaced by G.
Protein change: p.Ala253Gly; replaces alanine 253 with glycine.
Molecular consequence: missense variant.
Genome position (GRCh38, 1-based): chr1:99,870,493, C>G. VCF-style: chr1-99870493-C-G. GRCh37 (hg19) VCF-style: chr1-100336049-C-G.
Other names: c.758C>G, p.Ala253Gly (NM_000028.3, NM_000643.3, NM_000644.3 and 3 more transcripts); c.710C>G, p.Ala237Gly (NM_000646.3); c.554C>G, p.Ala185Gly (NM_001425328.1, NM_001425329.1); c.380C>G, p.Ala127Gly (NM_001425332.1); short protein forms A237G, A253G, A127G, A185G.
Identifiers: ClinVar variation 2112021 (VCV002112021.3), dbSNP rs1354639441, ClinGen allele CA341339817.